The following is an entry in ClinVar:

NM_033026.6(PCLO):c.10236G>C (p.Lys3412Asn)

Gene: PCLO (piccolo presynaptic cytomatrix protein; minus strand). Cytogenetic location: 7q21.11.
Variant type: single nucleotide variant.
Coding change: c.10236G>C on transcript NM_033026.6 (MANE Select); coding-DNA position 10236, G replaced by C.
Protein change: p.Lys3412Asn; replaces lysine 3412 with asparagine.
Molecular consequence: missense variant.
Genome position (GRCh38, 1-based): chr7:82,950,352, C>G on the plus strand (G>C on the coding strand, the complement: PCLO is on the minus strand). VCF-style: chr7-82950352-C-G. GRCh37 (hg19) VCF-style: chr7-82579668-C-G.
Other names: c.10236G>C, p.Lys3412Asn (NM_014510.3); short protein forms K3412N.
Identifiers: ClinVar variation 1495176 (VCV001495176.6), dbSNP rs2116420725, ClinGen allele CA367904883.

ClinVar aggregate classification (germline): Uncertain significance (1 of 4 stars; one submission).

Allele frequency attached by ClinVar (database versions not stated): gnomAD exomes below 0.00001.
gnomAD v4.1: 1 of 1,613,654 alleles (0.000062%); highest among the groups gnomAD compares: Non-Finnish European, 0.000085%; no homozygotes.

Submission:

Labcorp Genetics (formerly Invitae), Labcorp
Classification: Uncertain significance. Last evaluated: 2021-11-22. Review status: criteria provided, single submitter. Criteria: Invitae Variant Classification Sherloc (09022015). Collection method: clinical testing. Allele origin: germline.
Comment: In summary, the available evidence is currently insufficient to determine the role of this variant in disease. Therefore, it has been classified as a Variant of Uncertain Significance. Algorithms developed to predict the effect of missense changes on protein structure and function are either unavailable or do not agree on the potential impact of this missense change (SIFT: "Deleterious"; PolyPhen-2: "Not Available"; Align-GVGD: "Class C0"). This variant has not been reported in the literature in individuals affected with PCLO-related conditions. This variant is not present in population databases (gnomAD no frequency). This sequence change replaces lysine, which is basic and polar, with asparagine, which is neutral and polar, at codon 3412 of the PCLO protein (p.Lys3412Asn).